The following is an entry in ClinVar:

ClinVar aggregate classification (germline): Uncertain significance (1 of 4 stars; one submission).

Allele frequency attached by ClinVar (database versions not stated): gnomAD exomes 0.00002 and 0.00003; gnomAD 0.00003; ExAC 0.00005; TOPMed 0.00006; ESP Exome Variant Server 0.00015.
gnomAD v4.1: 35 of 1,591,194 alleles (0.0022%); highest among the groups gnomAD compares: Non-Finnish European, 0.0028%; no homozygotes.

Submission:

Labcorp Genetics (formerly Invitae), Labcorp
Classification: Uncertain significance. Last evaluated: 2021-09-20. Review status: criteria provided, single submitter. Criteria: Invitae Variant Classification Sherloc (09022015). Collection method: clinical testing. Allele origin: germline.
Comment: This sequence change replaces valine with alanine at codon 17 of the MYLIP protein (p.Val17Ala). The valine residue is moderately conserved and there is a small physicochemical difference between valine and alanine. This variant is present in population databases (rs201021082, ExAC 0.01%). This variant has not been reported in the literature in individuals affected with MYLIP-related conditions. Algorithms developed to predict the effect of missense changes on protein structure and function (SIFT, PolyPhen-2, Align-GVGD) all suggest that this variant is likely to be tolerated. In summary, the available evidence is currently insufficient to determine the role of this variant in disease. Therefore, it has been classified as a Variant of Uncertain Significance.

NM_013262.4(MYLIP):c.50T>C (p.Val17Ala)

Genes: MYLIP (myosin regulatory light chain interacting protein; plus strand), LOC129995898 (ATAC-STARR-seq lymphoblastoid silent region 16955; plus strand). Cytogenetic location: 6p22.3.
Variant type: single nucleotide variant.
Coding change: c.50T>C on transcript NM_013262.4 (MANE Select); coding-DNA position 50, T replaced by C.
Protein change: p.Val17Ala; replaces valine 17 with alanine.
Molecular consequence: missense variant.
Genome position (GRCh38, 1-based): chr6:16,129,372, T>C. VCF-style: chr6-16129372-T-C. GRCh37 (hg19) VCF-style: chr6-16129603-T-C.
Other names: short protein forms V17A.
Identifiers: ClinVar variation 1432929 (VCV001432929.6), dbSNP rs201021082, ClinGen allele CA3644373.